The following is an entry in ClinVar:

ClinVar aggregate classification (germline): Benign/Likely benign. Review status: criteria provided, multiple submitters, no conflicts (2 of 4 stars). 3 submissions from 3 submitters: Benign (1); Likely benign (2). Last evaluated 2025-03-30.

Allele frequency attached by ClinVar (database versions not stated): gnomAD 0.00001 and 0.00006; TOPMed 0.00003; gnomAD exomes 0.00012; 1000 Genomes Project 0.00040; 1000 Genomes Project 30x 0.00047.
gnomAD v4.1: 216 of 1,614,102 alleles (0.013%); highest among the groups gnomAD compares: South Asian, 0.17%; 1 homozygote.

Submissions (3):

Labcorp Genetics (formerly Invitae), Labcorp
Classification: Benign. Last evaluated: 2025-03-30. Review status: criteria provided, single submitter. Criteria: Invitae Variant Classification Sherloc (09022015). Collection method: clinical testing. Allele origin: germline.

Blueprint Genetics
Classification: Likely benign. Last evaluated: 2024-09-18. Review status: criteria provided, single submitter. Criteria: ACMG Guidelines, 2015. Collection method: clinical testing. Allele origin: germline.

CeGaT Center for Human Genetics Tuebingen
Classification: Likely benign. Last evaluated: 2022-12-01. Review status: criteria provided, single submitter. Criteria: CeGaT Center For Human Genetics Tuebingen Variant Classification Criteria Version 2. Collection method: clinical testing. Allele origin: germline. Affected: yes. Observed: 1 variant allele.
Comment: KIAA0753: BP4, BP7

NM_014804.3(KIAA0753):c.588G>A (p.Pro196=)

Gene: KIAA0753 (KIAA0753; minus strand). Cytogenetic location: 17p13.1.
Variant type: single nucleotide variant.
Coding change: c.588G>A on transcript NM_014804.3 (MANE Select); coding-DNA position 588, G replaced by A.
Protein change: p.Pro196=; no amino-acid change (proline 196 retained).
Molecular consequence: synonymous variant. On other transcripts: 5 prime UTR variant (1), non-coding transcript variant (3).
Genome position (GRCh38, 1-based): chr17:6,628,247, C>T on the plus strand (G>A on the coding strand, the complement: KIAA0753 is on the minus strand). VCF-style: chr17-6628247-C-T. GRCh37 (hg19) VCF-style: chr17-6531567-C-T.
Other names: c.-647G>A (NM_001351225.2).
Identifiers: ClinVar variation 1633492 (VCV001633492.33), dbSNP rs113444393, ClinGen allele CA8330746.